The following is an entry in ClinVar:

NM_001040108.2(MLH3):c.3208C>G (p.Pro1070Ala)

Gene: MLH3 (mutL homolog 3; minus strand). Cytogenetic location: 14q24.3.
Variant type: single nucleotide variant.
Coding change: c.3208C>G on transcript NM_001040108.2 (MANE Select); coding-DNA position 3208, C replaced by G.
Protein change: p.Pro1070Ala; replaces proline 1070 with alanine.
Molecular consequence: missense variant.
Genome position (GRCh38, 1-based): chr14:75,046,448, G>C on the plus strand (C>G on the coding strand, the complement: MLH3 is on the minus strand). VCF-style: chr14-75046448-G-C. GRCh37 (hg19) VCF-style: chr14-75513151-G-C.
Other names: c.3208C>G, p.Pro1070Ala (NM_014381.3); short protein forms P1070A.
Identifiers: ClinVar variation 4860199 (VCV004860199.1).

ClinVar aggregate classification (germline): Uncertain significance (1 of 4 stars; one submission).

gnomAD v4.1: 1 of 1,614,106 alleles (0.000062%); highest among the groups gnomAD compares: Non-Finnish European, 0.000085%; no homozygotes.

Submission:

Ambry Genetics
Classification: Uncertain significance. Last evaluated: 2026-05-14. Review status: criteria provided, single submitter. Criteria: Ambry Variant Classification Scheme 2023. Collection method: clinical testing. Allele origin: germline.
Comment: The p.P1070A variant (also known as c.3208C>G), located in coding exon 1 of the MLH3 gene, results from a C to G substitution at nucleotide position 3208. The proline at codon 1070 is replaced by alanine, an amino acid with highly similar properties. This amino acid position is conserved. In addition, this alteration is predicted to be deleterious by in silico analysis. Based on the available evidence, the clinical significance of this variant remains unclear.